The following is an entry in ClinVar:

ClinVar aggregate classification (germline): Uncertain significance (1 of 4 stars; one submission).

Conditions:
SCLT1-related disorder. Also called: SCLT1-related condition.

gnomAD v4.1: 1 of 1,607,444 alleles (0.000062%); highest among the groups gnomAD compares: Admixed American, 0.0017%; no homozygotes.

Submission:

PreventionGenetics, part of Exact Sciences
Classification: Uncertain significance for SCLT1-related condition. Last evaluated: 2025-11-16. Review status: criteria provided, single submitter. Criteria: ACMG Guidelines, 2015. Collection method: clinical testing. Allele origin: germline.
Comment: The SCLT1 c.1782A>C variant is predicted to result in the amino acid substitution p.Glu594Asp. To our knowledge, this variant has not been reported in the literature. This variant is reported in 0.12% of alleles in individuals of Latino descent in gnomAD. Although we suspect that this variant may be benign, at this time, the clinical significance of this variant is uncertain due to the absence of conclusive functional and genetic evidence.

NM_144643.4(SCLT1):c.1782A>C (p.Glu594Asp)

Gene: SCLT1 (sodium channel and clathrin linker 1; minus strand). Cytogenetic location: 4q28.2.
Variant type: single nucleotide variant.
Coding change: c.1782A>C on transcript NM_144643.4 (MANE Select); coding-DNA position 1782, A replaced by C.
Protein change: p.Glu594Asp; replaces glutamic acid 594 with aspartic acid.
Molecular consequence: missense variant.
Genome position (GRCh38, 1-based): chr4:128,936,702, T>G on the plus strand (A>C on the coding strand, the complement: SCLT1 is on the minus strand). VCF-style: chr4-128936702-T-G. GRCh37 (hg19) VCF-style: chr4-129857857-T-G.
Other names: short protein forms E594D.
Identifiers: ClinVar variation 4991847 (VCV004991847.1).